The following is an entry in ClinVar:

ClinVar aggregate classification (germline): Likely benign (1 of 4 stars; one submission).

Conditions:
Shwachman–Diamond syndrome.

Submission:

Centre for Medical Genetics,  Mumbai
Classification: Likely benign for Shwachman–Diamond syndrome. Last evaluated: 2026-02-05. Review status: criteria provided, single submitter. Criteria: ACMG Guidelines, 2015. Collection method: provider interpretation. Allele origin: germline. Inheritance: Autosomal dominant inheritance. Affected: no. Observed: 1 heterozygote.
Comment: The variant satisfies PM2 criteria; Extremely low frequency in gnomAD population databases. The variant satisfies PP3 criteria; For a missense or a splicing region variant, computational prediction tools unanimously support a deleterious effect on the gene. However, the variant satisfies the BS2 criteria.

Literature cited by the submitters: PubMed 41620567.

NM_002212.4(EIF6):c.665T>G (p.Phe222Cys)

Gene: EIF6 (eukaryotic translation initiation factor 6; minus strand). Cytogenetic location: 20q11.22.
Variant type: single nucleotide variant.
Coding change: c.665T>G on transcript NM_002212.4 (MANE Select); coding-DNA position 665, T replaced by G.
Protein change: p.Phe222Cys; replaces phenylalanine 222 with cysteine.
Molecular consequence: missense variant. On other transcripts: non-coding transcript variant (3).
Genome position (GRCh38, 1-based): chr20:35,279,629, A>C on the plus strand (T>G on the coding strand, the complement: EIF6 is on the minus strand). VCF-style: chr20-35279629-A-C. GRCh37 (hg19) VCF-style: chr20-33867432-A-C.
Other names: c.665T>G, p.Phe222Cys (NM_001267810.1, NM_181468.2); c.608T>G, p.Phe203Cys (NM_181466.3); short protein forms F203C, F222C.
Identifiers: ClinVar variation 4755403 (VCV004755403.1).